The following is an entry in ClinVar:

NM_000038.6(APC):c.6965A>T (p.Gln2322Leu)

Gene: APC (APC regulator of Wnt signaling pathway; plus strand). Cytogenetic location: 5q22.2.
Variant type: single nucleotide variant.
Coding change: c.6965A>T on transcript NM_000038.6 (MANE Select); coding-DNA position 6965, A replaced by T.
Protein change: p.Gln2322Leu; replaces glutamine 2322 with leucine.
Molecular consequence: missense variant.
Genome position (GRCh38, 1-based): chr5:112,842,559, A>T. VCF-style: chr5-112842559-A-T. GRCh37 (hg19) VCF-style: chr5-112178256-A-T.
Other names: c.6965A>T (NM_000038.5); c.6965A>T, p.Gln2322Leu (NM_001127510.3, NM_001354895.2); c.6911A>T, p.Gln2304Leu (NM_001127511.3); c.7019A>T, p.Gln2340Leu (NM_001354896.2); c.6995A>T, p.Gln2332Leu (NM_001354897.2); c.6890A>T, p.Gln2297Leu (NM_001354898.2); c.6881A>T, p.Gln2294Leu (NM_001354899.2); c.6842A>T, p.Gln2281Leu (NM_001354900.2); and 6 more; short protein forms Q2039L, Q2281L, Q2294L, Q2332L, Q2162L, Q2221L, Q2263L, Q2304L.
Identifiers: ClinVar variation 1493929 (VCV001493929.10), dbSNP rs1057517549, ClinGen allele CA16036523.

ClinVar aggregate classification (germline): Uncertain significance. Review status: criteria provided, multiple submitters, no conflicts (2 of 4 stars). 3 submissions from 3 submitters: Uncertain significance (3). Last evaluated 2025-07-14.

Conditions:
Hereditary cancer-predisposing syndrome. Also called: Tumor predisposition; Hereditary neoplastic syndrome; Neoplastic Syndromes, Hereditary; Hereditary Cancer Syndrome. Identifiers: Orphanet 140162, MedGen C0027672, MeSH D009386, MONDO:0015356.
Familial adenomatous polyposis 1 (FAP1). Also called: FAMILIAL ADENOMATOUS POLYPOSIS 1, ATTENUATED; POLYPOSIS, ADENOMATOUS INTESTINAL. Identifiers: MedGen C2713442, MONDO:0021056, OMIM 175100. Disease mechanism: loss of function.

Submissions (3):

Labcorp Genetics (formerly Invitae), Labcorp
Classification: Uncertain significance for Familial adenomatous polyposis 1. Last evaluated: 2025-07-14. Review status: criteria provided, single submitter. Criteria: Invitae Variant Classification Sherloc (09022015). Collection method: clinical testing. Allele origin: germline.
Comment: This sequence change replaces glutamine, which is neutral and polar, with leucine, which is neutral and non-polar, at codon 2322 of the APC protein (p.Gln2322Leu). This variant is not present in population databases (gnomAD no frequency). This variant has not been reported in the literature in individuals affected with APC-related conditions. ClinVar contains an entry for this variant (Variation ID: 1493929). Invitae Evidence Modeling of protein sequence and biophysical properties (such as structural, functional, and spatial information, amino acid conservation, physicochemical variation, residue mobility, and thermodynamic stability) indicates that this missense variant is not expected to disrupt APC protein function with a negative predictive value of 95%. In summary, the available evidence is currently insufficient to determine the role of this variant in disease. Therefore, it has been classified as a Variant of Uncertain Significance.

Ambry Genetics
Classification: Uncertain significance for Hereditary cancer-predisposing syndrome. Last evaluated: 2024-08-02. Review status: criteria provided, single submitter. Criteria: Ambry Variant Classification Scheme 2023. Collection method: clinical testing. Allele origin: germline.
Comment: The p.Q2322L variant (also known as c.6965A>T), located in coding exon 15 of the APC gene, results from an A to T substitution at nucleotide position 6965. The glutamine at codon 2322 is replaced by leucine, an amino acid with dissimilar properties. This amino acid position is highly conserved in available vertebrate species. In silico predictors for this gene do not accurately predict pathogenicity. Based on the available evidence, the clinical significance of this variant remains unclear.

Baylor Genetics
Classification: Uncertain significance for Familial adenomatous polyposis 1. Last evaluated: 2024-01-15. Review status: criteria provided, single submitter. Criteria: ACMG Guidelines, 2015. Collection method: clinical testing. Allele origin: unknown.